The following is an entry in ClinVar:

ClinVar aggregate classification (germline): Benign/Likely benign. Review status: criteria provided, multiple submitters, no conflicts (2 of 4 stars). 3 submissions from 3 submitters: Benign (1); Likely benign (2). Last evaluated 2025-06-14.

Conditions:
Tuberous sclerosis 2 (TSC2). Identifiers: Orphanet 805, MedGen C1860707, MONDO:0013199, OMIM 613254.
Hereditary cancer-predisposing syndrome. Also called: Hereditary neoplastic syndrome; Neoplastic Syndromes, Hereditary; Tumor predisposition; Hereditary Cancer Syndrome. Identifiers: Orphanet 140162, MedGen C0027672, MeSH D009386, MONDO:0015356.

Allele frequency attached by ClinVar (database versions not stated): TOPMed 0.00001; ESP Exome Variant Server 0.00008.

Submissions (3):

Ambry Genetics
Classification: Likely benign for Hereditary cancer-predisposing syndrome. Last evaluated: 2025-06-14. Review status: criteria provided, single submitter. Criteria: Ambry Variant Classification Scheme 2023. Collection method: clinical testing. Allele origin: germline.

Myriad Genetics, Inc.
Classification: Benign for Tuberous sclerosis 2. Last evaluated: 2025-05-27. Review status: criteria provided, single submitter. Criteria: Myriad Autosomal Dominant, Autosomal Recessive and X-Linked Classification Criteria (2023). Collection method: clinical testing. Allele origin: unknown.
Comment: This variant is considered benign. This variant is a silent/synonymous amino acid change and it is not expected to impact splicing.

Labcorp Genetics (formerly Invitae), Labcorp
Classification: Likely benign for Tuberous sclerosis 2. Last evaluated: 2024-10-21. Review status: criteria provided, single submitter. Criteria: Invitae Variant Classification Sherloc (09022015). Collection method: clinical testing. Allele origin: germline.

NM_000548.5(TSC2):c.3108C>T (p.Ser1036=)

Gene: TSC2 (TSC complex subunit 2; plus strand). Cytogenetic location: 16p13.3.
Variant type: single nucleotide variant.
Coding change: c.3108C>T on transcript NM_000548.5 (MANE Select); coding-DNA position 3108, C replaced by T.
Protein change: p.Ser1036=; no amino-acid change (serine 1036 retained).
Molecular consequence: synonymous variant.
Genome position (GRCh38, 1-based): chr16:2,079,173, C>T. VCF-style: chr16-2079173-C-T. GRCh37 (hg19) VCF-style: chr16-2129174-C-T.
Other names: c.2976C>T, p.Ser992= (NM_001077183.3, NM_001370404.1); c.3108C>T, p.Ser1036= (NM_001114382.3); c.2868C>T, p.Ser956= (NM_001318827.2); c.2832C>T, p.Ser944= (NM_001318829.2); c.2376C>T, p.Ser792= (NM_001318831.2); c.3009C>T, p.Ser1003= (NM_001318832.2); c.2979C>T, p.Ser993= (NM_001363528.2, NM_001370405.1, NM_021055.3).
Identifiers: ClinVar variation 742076 (VCV000742076.12), dbSNP rs377575867, ClinGen allele CA276745314.